The following is an entry in ClinVar:

ClinVar aggregate classification (germline): Benign. Review status: criteria provided, multiple submitters, no conflicts (2 of 4 stars). 6 submissions from 6 submitters: Benign (5). 1 of the submissions does not count toward it. Last evaluated 2026-02-04.

Conditions:
Ciliary dyskinesia, primary, 39. Also called: CILIARY DYSKINESIA, PRIMARY, 39, WITH OR WITHOUT SITUS INVERSUS. Identifiers: MedGen C4748841, MONDO:0032637, OMIM 618254.
LRRC56-related disorder. Also called: LRRC56-related condition.

Allele frequency attached by ClinVar (database versions not stated): 1000 Genomes Project 0.16054; 1000 Genomes Project 30x 0.16599; TOPMed 0.21708; ESP Exome Variant Server 0.22439.
gnomAD v4.1: 321,607 of 1,611,440 alleles (20%); highest among the groups gnomAD compares: Admixed American, 27%; 33,923 homozygotes.

Submissions (6):

Labcorp Genetics (formerly Invitae), Labcorp
Classification: Benign. Last evaluated: 2026-02-04. Review status: criteria provided, single submitter. Criteria: Invitae Variant Classification Sherloc (09022015). Collection method: clinical testing. Allele origin: germline.

Blueprint Genetics
Classification: Benign. Last evaluated: 2024-11-27. Review status: criteria provided, single submitter. Criteria: ACMG Guidelines, 2015. Collection method: clinical testing. Allele origin: germline.

Genome-Nilou Lab
Classification: Benign for Ciliary dyskinesia, primary, 39. Last evaluated: 2021-08-19. Review status: criteria provided, single submitter. Criteria: ACMG Guidelines, 2015. Collection method: clinical testing. Allele origin: germline. Affected: no.

GeneDx
Classification: Benign. Last evaluated: 2021-05-04. Review status: criteria provided, single submitter. Criteria: GeneDx Variant Classification Process June 2021. Collection method: clinical testing. Allele origin: germline. Affected: yes.

Breakthrough Genomics
Classification: Benign. Review status: criteria provided, single submitter. Criteria: ACMG Guidelines, 2015. Collection method: not provided. Allele origin: germline. Inheritance: Autosomal recessive inheritance. Affected: yes.

PreventionGenetics, part of Exact Sciences
Classification: Benign for LRRC56-related condition. Last evaluated: 2019-10-21. Review status: no assertion criteria provided. Collection method: clinical testing. Allele origin: germline. Not counted in ClinVar's aggregate classification.
Comment: This variant is classified as benign based on ACMG/AMP sequence variant interpretation guidelines (Richards et al. 2015 PMID: 25741868, with internal and published modifications).

NM_198075.4(LRRC56):c.1400G>A (p.Arg467Gln)

Gene: LRRC56 (leucine rich repeat containing 56; plus strand). Cytogenetic location: 11p15.5.
Variant type: single nucleotide variant.
Coding change: c.1400G>A on transcript NM_198075.4 (MANE Select); coding-DNA position 1400, G replaced by A.
Protein change: p.Arg467Gln; replaces arginine 467 with glutamine.
Molecular consequence: missense variant.
Genome position (GRCh38, 1-based): chr11:554,047, G>A. VCF-style: chr11-554047-G-A. GRCh37 (hg19) VCF-style: chr11-554047-G-A.
Other names: short protein forms R467Q.
Identifiers: ClinVar variation 1249013 (VCV001249013.16), dbSNP rs12793222, ClinGen allele CA5780097.